The following is an entry in ClinVar:

ClinVar aggregate classification (germline): Uncertain significance (1 of 4 stars; one submission).

Conditions:
Developmental and epileptic encephalopathy, 31A. Also called: Developmental and epileptic encephalopathy, 31; Epileptic encephalopathy, early infantile, 31. Identifiers: Orphanet 2382, MedGen C4225357, MONDO:0014598, OMIM 616346.

Allele frequency attached by ClinVar (database versions not stated): gnomAD exomes below 0.00001; ExAC 0.00001; gnomAD 0.00001 and 0.00002; TOPMed 0.00002.
gnomAD v4.1: 5 of 1,613,604 alleles (0.00031%); highest among the groups gnomAD compares: African/African-American, 0.0067%; no homozygotes.

Submission:

Labcorp Genetics (formerly Invitae), Labcorp
Classification: Uncertain significance for Developmental and epileptic encephalopathy, 31A. Last evaluated: 2023-07-16. Review status: criteria provided, single submitter. Criteria: Invitae Variant Classification Sherloc (09022015). Collection method: clinical testing. Allele origin: germline.
Comment: In summary, the available evidence is currently insufficient to determine the role of this variant in disease. Therefore, it has been classified as a Variant of Uncertain Significance. Advanced modeling of protein sequence and biophysical properties (such as structural, functional, and spatial information, amino acid conservation, physicochemical variation, residue mobility, and thermodynamic stability) performed at Invitae indicates that this missense variant is expected to disrupt DNM1 protein function. ClinVar contains an entry for this variant (Variation ID: 1405410). This missense change has been observed in individual(s) with clinical features of epileptic encephalopathy with cerebellar atrophy (Invitae). The frequency data for this variant in the population databases is considered unreliable, as metrics indicate poor data quality at this position in the gnomAD database. This sequence change replaces arginine, which is basic and polar, with histidine, which is basic and polar, at codon 98 of the DNM1 protein (p.Arg98His).

NM_004408.4(DNM1):c.293G>A (p.Arg98His)

Genes: DNM1 (dynamin 1; plus strand), LOC113839516 (Sharpr-MPRA regulatory region 8497; plus strand). Cytogenetic location: 9q34.11.
Variant type: single nucleotide variant.
Coding change: c.293G>A on transcript NM_004408.4 (MANE Select); coding-DNA position 293, G replaced by A.
Protein change: p.Arg98His; replaces arginine 98 with histidine.
Molecular consequence: missense variant.
Genome position (GRCh38, 1-based): chr9:128,218,639, G>A. VCF-style: chr9-128218639-G-A. GRCh37 (hg19) VCF-style: chr9-130980918-G-A.
Other names: c.293G>A, p.Arg98His (NM_001005336.3, NM_001288737.2, NM_001288738.2 and 2 more transcripts); short protein forms R98H.
Identifiers: ClinVar variation 1405410 (VCV001405410.13), dbSNP rs748195071, ClinGen allele CA5257774.